The following is an entry in ClinVar:

NM_025144.4(ALPK1):c.3605A>G (p.Gln1202Arg)

Gene: ALPK1 (alpha kinase 1; plus strand). Cytogenetic location: 4q25.
Variant type: single nucleotide variant.
Coding change: c.3605A>G on transcript NM_025144.4 (MANE Select); coding-DNA position 3605, A replaced by G.
Protein change: p.Gln1202Arg; replaces glutamine 1202 with arginine.
Molecular consequence: missense variant.
Genome position (GRCh38, 1-based): chr4:112,440,983, A>G. VCF-style: chr4-112440983-A-G. GRCh37 (hg19) VCF-style: chr4-113362139-A-G.
Other names: c.3605A>G, p.Gln1202Arg (NM_001102406.2); c.3371A>G, p.Gln1124Arg (NM_001253884.2); short protein forms Q1202R, Q1124R.
Identifiers: ClinVar variation 2121623 (VCV002121623.4), dbSNP rs2476520322, ClinGen allele CA357912224.

ClinVar aggregate classification (germline): Uncertain significance (1 of 4 stars; one submission).

gnomAD v4.1: 1 of 1,614,042 alleles (0.000062%); highest among the groups gnomAD compares: Non-Finnish European, 0.000085%; no homozygotes.

Submission:

Labcorp Genetics (formerly Invitae), Labcorp
Classification: Uncertain significance. Last evaluated: 2022-04-04. Review status: criteria provided, single submitter. Criteria: Invitae Variant Classification Sherloc (09022015). Collection method: clinical testing. Allele origin: germline.
Comment: In summary, the available evidence is currently insufficient to determine the role of this variant in disease. Therefore, it has been classified as a Variant of Uncertain Significance. Algorithms developed to predict the effect of missense changes on protein structure and function output the following: SIFT: "Tolerated"; PolyPhen-2: "Benign"; Align-GVGD: "Class C0". The arginine amino acid residue is found in multiple mammalian species, which suggests that this missense change does not adversely affect protein function. This variant has not been reported in the literature in individuals affected with ALPK1-related conditions. This variant is not present in population databases (gnomAD no frequency). This sequence change replaces glutamine, which is neutral and polar, with arginine, which is basic and polar, at codon 1202 of the ALPK1 protein (p.Gln1202Arg).